The following is an entry in ClinVar:

ClinVar aggregate classification (germline): Uncertain significance. Review status: criteria provided, multiple submitters, no conflicts (2 of 4 stars). 2 submissions from 2 submitters: Uncertain significance (2). Last evaluated 2025-11-10.

Conditions:
Hereditary nonpolyposis colorectal neoplasms. Identifiers: MedGen C0009405, MeSH D003123.
Hereditary cancer-predisposing syndrome. Also called: Neoplastic Syndromes, Hereditary; Tumor predisposition; Hereditary Cancer Syndrome; Hereditary neoplastic syndrome. Identifiers: Orphanet 140162, MedGen C0027672, MeSH D009386, MONDO:0015356.

Submissions (2):

Ambry Genetics
Classification: Uncertain significance for Hereditary cancer-predisposing syndrome. Last evaluated: 2025-11-10. Review status: criteria provided, single submitter. Criteria: Ambry Variant Classification Scheme 2023. Collection method: clinical testing. Allele origin: germline.
Comment: The p.F569L variant (also known as c.1707C>A), located in coding exon 4 of the MSH6 gene, results from a C to A substitution at nucleotide position 1707. The phenylalanine at codon 569 is replaced by leucine, an amino acid with highly similar properties. This amino acid position is conserved. In addition, this alteration is predicted to be tolerated by in silico analysis. Based on the available evidence, the clinical significance of this variant remains unclear.

Labcorp Genetics (formerly Invitae), Labcorp
Classification: Uncertain significance for Hereditary nonpolyposis colorectal neoplasms. Last evaluated: 2024-11-24. Review status: criteria provided, single submitter. Criteria: Invitae Variant Classification Sherloc (09022015). Collection method: clinical testing. Allele origin: germline.
Comment: This sequence change replaces phenylalanine, which is neutral and non-polar, with leucine, which is neutral and non-polar, at codon 569 of the MSH6 protein (p.Phe569Leu). This variant is not present in population databases (gnomAD no frequency). This variant has not been reported in the literature in individuals affected with MSH6-related conditions. Invitae Evidence Modeling of protein sequence and biophysical properties (such as structural, functional, and spatial information, amino acid conservation, physicochemical variation, residue mobility, and thermodynamic stability) indicates that this missense variant is not expected to disrupt MSH6 protein function with a negative predictive value of 95%. In summary, the available evidence is currently insufficient to determine the role of this variant in disease. Therefore, it has been classified as a Variant of Uncertain Significance.

NM_000179.3(MSH6):c.1707C>A (p.Phe569Leu)

Gene: MSH6 (mutS homolog 6; plus strand). Cytogenetic location: 2p16.3.
Variant type: single nucleotide variant.
Coding change: c.1707C>A on transcript NM_000179.3 (MANE Select); coding-DNA position 1707, C replaced by A.
Protein change: p.Phe569Leu; replaces phenylalanine 569 with leucine.
Molecular consequence: missense variant. On other transcripts: non-coding transcript variant (4), intron variant (2).
Genome position (GRCh38, 1-based): chr2:47,799,690, C>A. VCF-style: chr2-47799690-C-A. GRCh37 (hg19) VCF-style: chr2-48026829-C-A.
Other names: c.1317C>A, p.Phe439Leu (NM_001281492.2); c.801C>A, p.Phe267Leu (NM_001281493.2, NM_001281494.2, NM_001406811.1 and 6 more transcripts); c.1803C>A, p.Phe601Leu (NM_001406795.1, NM_001406802.1); c.1707C>A, p.Phe569Leu (NM_001406796.1, NM_001406798.1, NM_001406800.1 and 3 more transcripts); c.1410C>A, p.Phe470Leu (NM_001406797.1, NM_001406801.1, NM_001406805.1 and 10 more transcripts); c.1182C>A, p.Phe394Leu (NM_001406799.1, NM_001406806.1, NM_001406807.1); c.1629C>A, p.Phe543Leu (NM_001406804.1); c.1713C>A, p.Phe571Leu (NM_001406813.1); and 3 more; short protein forms F267L, F439L, F543L, F601L, F470L, F394L, F513L, F569L.
Identifiers: ClinVar variation 3633937 (VCV003633937.3).
Genomic context (GRCh38, chr2:47,799,690, plus strand): 5'-TTCTGGCCATACTCGTGCATATGGTGTGTGCTTTGTTGATACTTCACTGGGAAAGTTTTT[C>A]ATAGGTCAGTTTTCAGATGATCGCCATTGTTCGAGATTTAGGACTCTAGTGGCACACTAT-3'
Protein context (NP_000170.1, residues 559-579): CFVDTSLGKF[Phe569Leu]IGQFSDDRHC